The following is an entry in ClinVar:

NM_000890.5(KCNJ5):c.409G>A (p.Val137Met)

Gene: KCNJ5 (potassium inwardly rectifying channel subfamily J member 5; plus strand). Cytogenetic location: 11q24.3.
Variant type: single nucleotide variant.
Coding change: c.409G>A on transcript NM_000890.5 (MANE Select); coding-DNA position 409, G replaced by A.
Protein change: p.Val137Met; replaces valine 137 with methionine.
Molecular consequence: missense variant.
Genome position (GRCh38, 1-based): chr11:128,911,682, G>A. VCF-style: chr11-128911682-G-A. GRCh37 (hg19) VCF-style: chr11-128781577-G-A.
Other names: c.409G>A, p.Val137Met (NM_001354169.2); short protein forms V137M.
Identifiers: ClinVar variation 2902279 (VCV002902279.4), dbSNP rs1408586450, ClinGen allele CA383247780.
Genomic context (GRCh38, chr11:128,911,682, plus strand): 5'-GACCTGGACCATGTTGGCGACCAAGAGTGGATTCCTTGTGTTGAAAACCTCAGTGGCTTC[G>A]TGTCCGCTTTCCTGTTCTCCATTGAGACCGAAACAACCATTGGGTATGGCTTCCGAGTCA-3'
Protein context (NP_000881.3, residues 127-147): IPCVENLSGF[Val137Met]SAFLFSIETE

ClinVar aggregate classification (germline): Uncertain significance. Review status: criteria provided, multiple submitters, no conflicts (2 of 4 stars). 2 submissions from 2 submitters: Uncertain significance (2). Last evaluated 2023-08-25.

Conditions:
Long QT syndrome (LQTS). Identifiers: MedGen C0023976, MeSH D008133, MONDO:0002442. Disease mechanism: loss of function. Inheritance: Various modes of inheritance.

Allele frequency attached by ClinVar (database versions not stated): TOPMed 0.00001.
gnomAD v4.1: 5 of 1,614,176 alleles (0.00031%); highest among the groups gnomAD compares: Non-Finnish European, 0.00034%; no homozygotes.

Submissions (2):

Blueprint Genetics
Classification: Uncertain significance. Last evaluated: 2023-08-25. Review status: criteria provided, single submitter. Criteria: ACMG Guidelines, 2015. Collection method: clinical testing. Allele origin: germline.

Labcorp Genetics (formerly Invitae), Labcorp
Classification: Uncertain significance for Long QT syndrome. Last evaluated: 2023-01-27. Review status: criteria provided, single submitter. Criteria: Invitae Variant Classification Sherloc (09022015). Collection method: clinical testing. Allele origin: germline.
Comment: In summary, the available evidence is currently insufficient to determine the role of this variant in disease. Therefore, it has been classified as a Variant of Uncertain Significance. This sequence change replaces valine, which is neutral and non-polar, with methionine, which is neutral and non-polar, at codon 137 of the KCNJ5 protein (p.Val137Met). This variant is present in population databases (no rsID available, gnomAD 0.0009%). This variant has not been reported in the literature in individuals affected with KCNJ5-related conditions. Advanced modeling of protein sequence and biophysical properties (such as structural, functional, and spatial information, amino acid conservation, physicochemical variation, residue mobility, and thermodynamic stability) performed at Invitae indicates that this missense variant is not expected to disrupt KCNJ5 protein function.